The following is an entry in ClinVar:

NM_004431.5(EPHA2):c.1217T>C (p.Met406Thr)

Gene: EPHA2 (EPH receptor A2; minus strand). Cytogenetic location: 1p36.13.
Variant type: single nucleotide variant.
Coding change: c.1217T>C on transcript NM_004431.5 (MANE Select); coding-DNA position 1217, T replaced by C.
Protein change: p.Met406Thr; replaces methionine 406 with threonine.
Molecular consequence: missense variant.
Genome position (GRCh38, 1-based): chr1:16,137,948, A>G on the plus strand (T>C on the coding strand, the complement: EPHA2 is on the minus strand). VCF-style: chr1-16137948-A-G. GRCh37 (hg19) VCF-style: chr1-16464443-A-G.
Other names: c.1055T>C, p.Met352Thr (NM_001329090.2); short protein forms M352T, M406T.
Identifiers: ClinVar variation 3702798 (VCV003702798.2).

ClinVar aggregate classification (germline): Uncertain significance (1 of 4 stars; one submission).

Conditions:
Cataract 6 multiple types. Also called: CATARACT, AGE-RELATED CORTICAL, 2; CATARACT 6, POSTERIOR POLAR; CATARACT 6, CONGENITAL TOTAL. Identifiers: Orphanet 91492, MedGen C1861825, MONDO:0007288, OMIM 116600.

gnomAD v4.1: 1 of 1,614,160 alleles (0.000062%); highest among the groups gnomAD compares: Non-Finnish European, 0.000085%; no homozygotes.

Submission:

Labcorp Genetics (formerly Invitae), Labcorp
Classification: Uncertain significance for Cataract 6 multiple types. Last evaluated: 2024-08-22. Review status: criteria provided, single submitter. Criteria: Invitae Variant Classification Sherloc (09022015). Collection method: clinical testing. Allele origin: germline.
Comment: This sequence change replaces methionine, which is neutral and non-polar, with threonine, which is neutral and polar, at codon 406 of the EPHA2 protein (p.Met406Thr). This variant is present in population databases (rs766593100, gnomAD 0.0009%). This variant has not been reported in the literature in individuals affected with EPHA2-related conditions. Invitae Evidence Modeling of protein sequence and biophysical properties (such as structural, functional, and spatial information, amino acid conservation, physicochemical variation, residue mobility, and thermodynamic stability) indicates that this missense variant is not expected to disrupt EPHA2 protein function with a negative predictive value of 95%. In summary, the available evidence is currently insufficient to determine the role of this variant in disease. Therefore, it has been classified as a Variant of Uncertain Significance.